The following is an entry in ClinVar:

NM_001077418.3(TMEM231):c.535C>T (p.Gln179Ter)

Gene: TMEM231 (transmembrane protein 231; minus strand). Cytogenetic location: 16q23.1.
Variant type: single nucleotide variant.
Coding change: c.535C>T on transcript NM_001077418.3 (MANE Select); coding-DNA position 535, C replaced by T.
Protein change: p.Gln179Ter; replaces glutamine 179 with a stop codon.
Molecular consequence: nonsense. On other transcripts: non-coding transcript variant (1).
Genome position (GRCh38, 1-based): chr16:75,545,399, G>A on the plus strand (C>T on the coding strand, the complement: TMEM231 is on the minus strand). VCF-style: chr16-75545399-G-A. GRCh37 (hg19) VCF-style: chr16-75579297-G-A.
Other names: c.694C>T, p.Gln232Ter (NM_001077416.2); short protein forms Q179*, Q232*.
Identifiers: ClinVar variation 1448559 (VCV001448559.6), dbSNP rs2151702587, ClinGen allele CA396806690.
Genomic context (GRCh38, chr16:75,545,399, plus strand): 5'-GAAGCGCTCTTACGTTGTATCGGGCATCTAGGCCACCACAGCTCAGCGGCTGCTTCTGCT[G>A]CAGCCTCAGGTCTCCGTTCACGTATAACTGGGATCCCGGGACAGGAAAGGAGGACTGGAG-3'

ClinVar aggregate classification (germline): Pathogenic (1 of 4 stars; one submission).

Conditions:
Meckel syndrome, type 11 (MKS11). Identifiers: Orphanet 564, MedGen C3809352, MONDO:0014164, OMIM 615397.
Joubert syndrome 20 (JBTS20). Identifiers: Orphanet 475, MedGen C3554235, MONDO:0013994, OMIM 614970.

Submission:

Labcorp Genetics (formerly Invitae), Labcorp
Classification: Pathogenic for Joubert syndrome 20; Meckel syndrome, type 11. Last evaluated: 2025-04-14. Review status: criteria provided, single submitter. Criteria: Invitae Variant Classification Sherloc (09022015). Collection method: clinical testing. Allele origin: germline.
Comment: This sequence change creates a premature translational stop signal (p.Gln232*) in the TMEM231 gene. It is expected to result in an absent or disrupted protein product. Loss-of-function variants in TMEM231 are known to be pathogenic (PMID: 23012439, 23349226). This variant is not present in population databases (gnomAD no frequency). This variant has not been reported in the literature in individuals affected with TMEM231-related conditions. ClinVar contains an entry for this variant (Variation ID: 1448559). For these reasons, this variant has been classified as Pathogenic.

Literature cited by the submitters: PubMed 23012439; PubMed 23349226.